The following is an entry in ClinVar:

ClinVar aggregate classification (germline): Pathogenic. Review status: criteria provided, multiple submitters, no conflicts (2 of 4 stars). 3 submissions from 3 submitters: Pathogenic (2). 1 of the submissions does not count toward it. Last evaluated 2025-07-15.

Conditions:
Epidermolysis bullosa dystrophica. Also called: Dystrophic epidermolysis bullosa; Dystrophic epidermolysis bullosa, Hallopeau-Siemens type (formerly). Identifiers: Orphanet 303, MedGen C0079294, MONDO:0006543.
Generalized dominant dystrophic epidermolysis bullosa (DDEB). Also called: Dominant DEB (DDEB); DDEB, generalized; DDEB-gen; DYSTROPHIC EPIDERMOLYSIS BULLOSA, AUTOSOMAL DOMINANT; Epidermolysis bullosa dystrophica, autosomal dominant. Identifiers: Orphanet 231568, MedGen C0432322, MONDO:0007549, OMIM 131750.

Submissions (3):

Natera, Inc.
Classification: Pathogenic for Dystrophic epidermolysis bullosa. Last evaluated: 2025-07-15. Review status: criteria provided, single submitter. Criteria: Natera Variant Classification Schema (03/2026). Collection method: clinical testing. Allele origin: germline.
Comment: The c.6227G>A variant in COL7A1 is a missense variant predicted to cause substitution of glycine to aspartic acid at amino acid 2076. This variant is rare in the general population with a frequency below the threshold expected for the associated phenotype(s). This variant has been observed in affected individual(s) with monoallelic occurrence (heterozygous/hemizygous) (PMID: 36287101, 26707537, 16484981, 16185268, 9347800). This variant has been confirmed as or assumed to be a de novo occurrence in one or more affected individuals (PMID: 36287101). Computational prediction algorithms indicate this variant is likely to affect gene or protein function. Given the available evidence, this variant is classified as Pathogenic.

Center for Research in Genodermatoses and Epidermolysis Bullosa, University of Buenos Aires
Classification: Pathogenic for Generalized dominant dystrophic epidermolysis bullosa. Last evaluated: 2022-03-14. Review status: criteria provided, single submitter. Criteria: ACMG Guidelines, 2015. Collection method: clinical testing. Allele origin: germline. Affected: yes. Observed: 1 variant allele, 1 heterozygote.

OMIM
Classification: Pathogenic for EPIDERMOLYSIS BULLOSA DYSTROPHICA, AUTOSOMAL DOMINANT. Last evaluated: 1997-11-01. Review status: no assertion criteria provided. Collection method: literature only. Allele origin: germline. Not counted in ClinVar's aggregate classification.

Literature cited by the submitters: PubMed 36287101 (cited by Natera, Inc.); PubMed 26707537 (cited by Natera, Inc.); PubMed 16484981 (cited by Natera, Inc.); PubMed 16185268 (cited by Natera, Inc.); PubMed 9347800 (cited by 3 submitters); PubMed 35979658 (cited by Center for Research in Genodermatoses and Epidermolysis Bullosa, University of Buenos Aires).

NM_000094.4(COL7A1):c.6227G>A (p.Gly2076Asp)

Gene: COL7A1 (collagen type VII alpha 1 chain; minus strand). Cytogenetic location: 3p21.31.
Variant type: single nucleotide variant.
Coding change: c.6227G>A on transcript NM_000094.4 (MANE Select); coding-DNA position 6227, G replaced by A.
Protein change: p.Gly2076Asp; replaces glycine 2076 with aspartic acid.
Molecular consequence: missense variant.
Genome position (GRCh38, 1-based): chr3:48,575,116, C>T on the plus strand (G>A on the coding strand, the complement: COL7A1 is on the minus strand). VCF-style: chr3-48575116-C-T. GRCh37 (hg19) VCF-style: chr3-48612549-C-T.
Other names: short protein forms G2076D.
Identifiers: ClinVar variation 17457 (VCV000017457.22), dbSNP rs121912850, ClinGen allele CA257958.